The following is an entry in ClinVar:

ClinVar aggregate classification (germline): Conflicting classifications of pathogenicity. Review status: criteria provided, conflicting classifications (1 of 4 stars). 3 submissions from 3 submitters: Uncertain significance (1); Likely benign (2). Last evaluated 2026-07-21.

Conditions:
Neonatal diabetes mellitus with congenital hypothyroidism. Also called: NDH SYNDROME. Identifiers: Orphanet 79118, MedGen C1857775, MONDO:0012436, OMIM 610199.
GLIS3-related disorder. Also called: GLIS3-related condition.

Allele frequency attached by ClinVar (database versions not stated): TOPMed 0.00005; 1000 Genomes Project 30x 0.00047; 1000 Genomes Project 0.00060.
gnomAD v4.1: 38 of 1,613,974 alleles (0.0024%); highest among the groups gnomAD compares: East Asian, 0.031%; no homozygotes.

Submissions (3):

PreventionGenetics, part of Exact Sciences
Classification: Likely benign for GLIS3-related condition. Last evaluated: 2026-07-21. Review status: criteria provided, single submitter. Criteria: ACMG Guidelines, 2015. Collection method: clinical testing. Allele origin: germline.
Comment: This variant is classified as likely benign based on ACMG/AMP sequence variant interpretation guidelines (Richards et al. 2015 PMID: 25741868, with internal and published modifications).

Labcorp Genetics (formerly Invitae), Labcorp
Classification: Likely benign. Last evaluated: 2025-08-18. Review status: criteria provided, single submitter. Criteria: Invitae Variant Classification Sherloc (09022015). Collection method: clinical testing. Allele origin: germline.

Illumina Laboratory Services, Illumina
Classification: Uncertain significance for Neonatal diabetes mellitus with congenital hypothyroidism. Last evaluated: 2018-01-13. Review status: criteria provided, single submitter. Criteria: ICSL Variant Classification Criteria 13 December 2019. Collection method: clinical testing. Allele origin: germline.

NM_001042413.2(GLIS3):c.810A>G (p.Pro270=)

Gene: GLIS3 (GLIS family zinc finger 3; minus strand). Cytogenetic location: 9p24.2.
Variant type: single nucleotide variant.
Coding change: c.810A>G on transcript NM_001042413.2 (MANE Select); coding-DNA position 810, A replaced by G.
Protein change: p.Pro270=; no amino-acid change (proline 270 retained).
Molecular consequence: synonymous variant.
Genome position (GRCh38, 1-based): chr9:4,118,668, T>C on the plus strand (A>G on the coding strand, the complement: GLIS3 is on the minus strand). VCF-style: chr9-4118668-T-C. GRCh37 (hg19) VCF-style: chr9-4118668-T-C.
Other names: c.345A>G, p.Pro115= (NM_152629.4).
Identifiers: ClinVar variation 912962 (VCV000912962.9), dbSNP rs376404333, ClinGen allele CA4968405.
Genomic context (GRCh38, chr9:4,118,668, plus strand): 5'-GGATGAGTGCCGAGGACTAGGGTAAGGAGAGTGGCTACTTTCCGTGCCAAAAAGGTAGGA[T>C]GGTAATGAGTTAGAGACACTATTGCTGGACATGGATGTCCCGGGAGGAAGGCTAAGGAGA-3'
Protein context (NP_001035878.1, residues 260-280): MSSNSVSNSL[Pro270=]SYLFGTESSH